The following is an entry in ClinVar:

ClinVar aggregate classification (germline): Uncertain significance. Review status: criteria provided, multiple submitters, no conflicts (2 of 4 stars). 2 submissions from 2 submitters: Uncertain significance (2). Last evaluated 2025-07-02.

Conditions:
Inborn genetic diseases. Identifiers: MedGen C0950123, MeSH D030342.
Cataract 38. Also called: Cataract, autosomal recessive congenital 5; Cataract 38, autosomal recessive. Identifiers: Orphanet 91492, MedGen C3553494, MONDO:0013859, OMIM 614691.
Sengers syndrome. Also called: MITOCHONDRIAL DNA DEPLETION SYNDROME 10 (CARDIOMYOPATHIC TYPE); Cardiomyopathy and cataract. Identifiers: Orphanet 1369, MedGen C1859317, MONDO:0008922, OMIM 212350.

gnomAD v4.1: 4 of 1,613,716 alleles (0.00025%); highest among the groups gnomAD compares: African/African-American, 0.004%; no homozygotes.

Submissions (2):

Ambry Genetics
Classification: Uncertain significance for Inborn genetic diseases. Last evaluated: 2025-07-02. Review status: criteria provided, single submitter. Criteria: Ambry Variant Classification Scheme 2023. Collection method: clinical testing. Allele origin: germline.

Labcorp Genetics (formerly Invitae), Labcorp
Classification: Uncertain significance for Sengers syndrome; Cataract 38. Last evaluated: 2022-03-15. Review status: criteria provided, single submitter. Criteria: Invitae Variant Classification Sherloc (09022015). Collection method: clinical testing. Allele origin: germline.
Comment: This sequence change replaces arginine, which is basic and polar, with proline, which is neutral and non-polar, at codon 9 of the AGK protein (p.Arg9Pro). This variant is not present in population databases (gnomAD no frequency). This variant has not been reported in the literature in individuals affected with AGK-related conditions. Algorithms developed to predict the effect of missense changes on protein structure and function are either unavailable or do not agree on the potential impact of this missense change (SIFT: "Tolerated"; PolyPhen-2: "Possibly Damaging"; Align-GVGD: "Class C0"). In summary, the available evidence is currently insufficient to determine the role of this variant in disease. Therefore, it has been classified as a Variant of Uncertain Significance.

NM_018238.4(AGK):c.26G>C (p.Arg9Pro)

Gene: AGK (acylglycerol kinase; plus strand). Cytogenetic location: 7q34.
Variant type: single nucleotide variant.
Coding change: c.26G>C on transcript NM_018238.4 (MANE Select); coding-DNA position 26, G replaced by C.
Protein change: p.Arg9Pro; replaces arginine 9 with proline.
Molecular consequence: missense variant.
Genome position (GRCh38, 1-based): chr7:141,555,492, G>C. VCF-style: chr7-141555492-G-C. GRCh37 (hg19) VCF-style: chr7-141255292-G-C.
Other names: c.26G>C (NM_018238.3); c.26G>C, p.Arg9Pro (NM_001364948.3); short protein forms R9P.
Identifiers: ClinVar variation 1914862 (VCV001914862.3), dbSNP rs577821330, ClinGen allele CA168422087.
Genomic context (GRCh38, chr7:141,555,492, plus strand): 5'-TTTCCGCCTCTACTAACCTAGCAAATCTCTAGAAGATGACGGTGTTCTTTAAAACGCTTC[G>C]AAATCACTGGAAGAAAACTACAGCTGGGCTCTGCCTGCTGACCTGGGGAGGCCATTGGCT-3'
Protein context (NP_060708.1, residues 1-19): MTVFFKTL[Arg9Pro]NHWKKTTAGL